The following is an entry in ClinVar:

ClinVar aggregate classification (germline): Uncertain significance (1 of 4 stars; one submission).

Conditions:
Paget disease of bone 2, early-onset (PDB2). Also called: Paget disease of bone 2. Identifiers: MedGen C4085251, MONDO:0011183, OMIM 602080.
Frontotemporal dementia and/or amyotrophic lateral sclerosis 1 (FTDALS1). Also called: C9orf72 Frontotemporal Dementia and/or Amyotrophic Lateral Sclerosis; Frontotemporal dementia with motor neuron disease 1. Identifiers: Orphanet 275872, MedGen C5779877, MONDO:0007105, OMIM 105550.

Allele frequency attached by ClinVar (database versions not stated): gnomAD exomes below 0.00001; ExAC 0.00001; gnomAD 0.00002; TOPMed 0.00002; 1000 Genomes Project 30x 0.00016; 1000 Genomes Project 0.00020.

Submission:

Labcorp Genetics (formerly Invitae), Labcorp
Classification: Uncertain significance for Paget disease of bone 2, early-onset; Frontotemporal dementia and/or amyotrophic lateral sclerosis 1. Last evaluated: 2024-12-03. Review status: criteria provided, single submitter. Criteria: Invitae Variant Classification Sherloc (09022015). Collection method: clinical testing. Allele origin: germline.
Comment: This sequence change falls in intron 7 of the SQSTM1 gene. It does not directly change the encoded amino acid sequence of the SQSTM1 protein. It affects a nucleotide within the consensus splice site. This variant is present in population databases (rs529512338, gnomAD 0.008%). This variant has been observed in individual(s) with clinical features of autosomal dominant inclusion body myopathy (PMID: 34307757). ClinVar contains an entry for this variant (Variation ID: 962371). Variants that disrupt the consensus splice site are a relatively common cause of aberrant splicing (PMID: 17576681, 9536098). Algorithms developed to predict the effect of sequence changes on RNA splicing suggest that this variant may disrupt the consensus splice site. In summary, the available evidence is currently insufficient to determine the role of this variant in disease. Therefore, it has been classified as a Variant of Uncertain Significance.

Literature cited by the submitters: PubMed 34307757; PubMed 17576681; PubMed 9536098.

NM_003900.5(SQSTM1):c.1166-1G>A

Gene: SQSTM1 (sequestosome 1; plus strand). Cytogenetic location: 5q35.3.
Variant type: single nucleotide variant.
Coding change: c.1166-1G>A on transcript NM_003900.5 (MANE Select); the canonical splice acceptor site of the intron before coding-DNA position 1166, G replaced by A.
Molecular consequence: splice acceptor variant.
Genome position (GRCh38, 1-based): chr5:179,836,435, G>A. VCF-style: chr5-179836435-G-A. GRCh37 (hg19) VCF-style: chr5-179263435-G-A.
Other names: c.914-1G>A (NM_001142298.2, NM_001142299.2).
Identifiers: ClinVar variation 962371 (VCV000962371.8), dbSNP rs529512338, ClinGen allele CA3600848.
Genomic context (GRCh38, chr5:179,836,435, plus strand): 5'-TGTTTCGGGTCACTCACAGGGCTCAGCACCACTCCTCATGGCTTCCTTACTGTTTCGGCA[G>A]AGGCTGACCCGCGGCTGATTGAGTCCCTCTCCCAGATGCTGTCCATGGGCTTCTCTGATG-3'